The following is an entry in ClinVar:

ClinVar aggregate classification (germline): Uncertain significance. Review status: criteria provided, multiple submitters, no conflicts (2 of 4 stars). 13 submissions from 13 submitters: Uncertain significance (13). Last evaluated 2025-12-17.

Conditions:
Familial ovarian cancer. Identifiers: MedGen C5679802, MONDO:0016248.
RAD51D-related disorder. Also called: RAD51D-related condition.
Hereditary cancer-predisposing syndrome. Also called: Neoplastic Syndromes, Hereditary; Hereditary neoplastic syndrome; Hereditary Cancer Syndrome; Tumor predisposition. Identifiers: Orphanet 140162, MedGen C0027672, MeSH D009386, MONDO:0015356.
Hereditary breast ovarian cancer syndrome. Also called: Hereditary breast and ovarian cancer syndrome; Hereditary breast and/or ovarian cancer syndrome; BRCA1- and BRCA2-Associated Hereditary Breast and Ovarian Cancer; Breast and ovarian cancer; Hereditary breast and ovarian cancer syndrome (HBOC); Hereditary breast and ovarian cancer. Identifiers: Orphanet 145, MedGen C0677776, MeSH D061325, MONDO:0003582. Disease mechanism: loss of function.
Breast-ovarian cancer, familial, susceptibility to, 4. Identifiers: Orphanet 145, MedGen C3280345, MONDO:0013669, OMIM 614291.

Allele frequency attached by ClinVar (database versions not stated): TOPMed below 0.00001; ExAC 0.00001; gnomAD 0.00001; gnomAD exomes 0.00001 and 0.00002.
gnomAD v4.1: 15 of 1,614,012 alleles (0.00093%); highest among the groups gnomAD compares: Admixed American, 0.005%; no homozygotes.

Submissions (13):

Labcorp Genetics (formerly Invitae), Labcorp
Classification: Uncertain significance for Breast-ovarian cancer, familial, susceptibility to, 4. Last evaluated: 2025-12-17. Review status: criteria provided, single submitter. Criteria: Invitae Variant Classification Sherloc (09022015). Collection method: clinical testing. Allele origin: germline.
Comment: This sequence change replaces arginine, which is basic and polar, with tryptophan, which is neutral and slightly polar, at codon 275 of the RAD51D protein (p.Arg275Trp). This variant is present in population databases (rs752780416, gnomAD 0.006%). This missense change has been observed in individual(s) with breast and/or ovarian cancer (PMID: 26261251, 35264596, 35534704). ClinVar contains an entry for this variant (Variation ID: 245669). Invitae Evidence Modeling of protein sequence and biophysical properties (such as structural, functional, and spatial information, amino acid conservation, physicochemical variation, residue mobility, and thermodynamic stability) indicates that this missense variant is expected to disrupt RAD51D protein function with a positive predictive value of 80%. In summary, the available evidence is currently insufficient to determine the role of this variant in disease. Therefore, it has been classified as a Variant of Uncertain Significance.

Women's Health and Genetics/Laboratory Corporation of America, LabCorp
Classification: Uncertain significance. Last evaluated: 2025-09-23. Review status: criteria provided, single submitter. Criteria: LabCorp Variant Classification Summary - May 2015. Collection method: clinical testing. Allele origin: germline.
Comment: Variant summary: RAD51D c.823C>T (p.Arg275Trp) results in a non-conservative amino acid change in the encoded protein sequence. Algorithms developed to predict the effect of missense changes on protein structure and function all suggest that this variant is likely to be disruptive. The variant allele was found at a frequency of 1.6e-05 in 251444 control chromosomes. The available data on variant occurrences in the general population are insufficient to allow any conclusion about variant significance. c.823C>T has been reported as a VUS, primarily in settings of multigene panel testing, in individuals affected with breast or ovarian cancer, without strong evidence for causality (e.g. Song_2015, de Oliveira_2022, Guindalini_2022, Rezoug_2024, Rodriguez-Hernandez_2025). These reports do not provide unequivocal conclusions about association of the variant with Hereditary Breast And Ovarian Cancer Syndrome. To our knowledge, no experimental evidence demonstrating an impact on protein function has been reported. The following publications have been ascertained in the context of this evaluation (PMID: 35264596, 39226054, 40209283, 26261251, 35534704). ClinVar contains an entry for this variant (Variation ID: 245669). Based on the evidence outlined above, the variant was classified as uncertain significance.

Color Diagnostics, LLC DBA Color Health
Classification: Uncertain significance for Hereditary cancer-predisposing syndrome. Last evaluated: 2025-05-08. Review status: criteria provided, single submitter. Criteria: ACMG Guidelines, 2015. Collection method: clinical testing. Allele origin: germline.
Comment: This missense variant replaces arginine with tryptophan at codon 275 of the RAD51D protein. Computational prediction suggests that this variant may have deleterious impact on protein structure and function. To our knowledge, functional studies have not been reported for this variant. This variant has been reported in individuals affected with ovarian cancer (PMID: 26261251) and breast cancer (PMID: 35264596, 35534704). This variant has been identified in 4/251444 chromosomes in the general population by the Genome Aggregation Database (gnomAD). The available evidence is insufficient to determine the role of this variant in disease conclusively. Therefore, this variant is classified as a Variant of Uncertain Significance.

PreventionGenetics, part of Exact Sciences
Classification: Uncertain significance for RAD51D-related condition. Last evaluated: 2025-02-20. Review status: criteria provided, single submitter. Criteria: ACMG Guidelines, 2015. Collection method: clinical testing. Allele origin: germline.
Comment: The RAD51D c.823C>T variant is predicted to result in the amino acid substitution p.Arg275Trp. This variant has been reported in an individual with invasive epithelial ovarian cancer (Table A4, Song et al. 2015. PubMed ID: 26261251) and in an individual with breast cancer (Supplementary Table 3, Guindalini et al. 2022. PubMed ID: 35264596). This variant is reported in 0.0058% of alleles in individuals of Latino descent in gnomAD and has been interpreted as uncertain in ClinVar. At this time, the clinical significance of this variant is uncertain due to the absence of conclusive functional and genetic evidence.

GeneDx
Classification: Uncertain significance. Last evaluated: 2025-02-19. Review status: criteria provided, single submitter. Criteria: GeneDx Variant Classification Process June 2021. Collection method: clinical testing. Allele origin: germline. Affected: yes.
Comment: Not observed at significant frequency in large population cohorts (gnomAD); In silico analysis supports that this missense variant has a deleterious effect on protein structure/function; Observed in individuals ovarian or breast cancer (PMID: 26261251, 35264596, 35534704); This variant is associated with the following publications: (PMID: 26261251, 35264596, 35451682, 21111057, 14704354, 19327148, 35534704)

Molecular Pathology, Peter Maccallum Cancer Centre
Classification: Uncertain significance for Familial ovarian cancer. Last evaluated: 2025-02-18. Review status: criteria provided, single submitter. Criteria: ACMG Guidelines, 2015. Collection method: clinical testing. Allele origin: germline. Inheritance: Autosomal dominant inheritance.

Molecular Diagnostics Laboratory, Catalan Institute of Oncology
Classification: Uncertain significance for Hereditary cancer-predisposing syndrome. Last evaluated: 2025-01-12. Review status: criteria provided, single submitter. Criteria: ACMG Guidelines, 2015. Collection method: clinical testing. Allele origin: germline.
Comment: PP3_Moderate c.823C>T, located in exon 9 of the RAD51D gene, is predicted to result in the substitution of arginine by tryptophan at codon 275, p.(Arg275Trp). This variant is found in 4/268317 alleles at a frequency of 0.001% in the gnomAD v2.1.1 database, non-cancer dataset. The SpliceAI algorithm predicts no significant impact on splicing. The REVEL meta-predictor score for this variant (.794) suggests a deleterious effect on protein function according to Pejaver 2022 thresholds (PMID: 36413997) (PP3_Moderate). To our knowledge, no well-established functional studies have been reported for this variant. This variant has been reported in multiple cancer -affected individuals (PMID: 26261251 and data from our internal cohort of patients). This variant has been reported in the ClinVar database (8x uncertain significance) and in LOVD (2x uncertain significance). Based on currently available information, the variant c.823C>T should be considered an uncertain significance variant according to ACMG/AMP classification guidelines.

Ambry Genetics
Classification: Uncertain significance for Hereditary cancer-predisposing syndrome. Last evaluated: 2024-12-04. Review status: criteria provided, single submitter. Criteria: Ambry Variant Classification Scheme 2023. Collection method: clinical testing. Allele origin: germline.
Comment: The p.R275W variant (also known as c.823C>T), located in coding exon 9 of the RAD51D gene, results from a C to T substitution at nucleotide position 823. The arginine at codon 275 is replaced by tryptophan, an amino acid with dissimilar properties. This amino acid position is highly conserved in available vertebrate species. In addition, this alteration is predicted to be deleterious by in silico analysis. Since supporting evidence is limited at this time, the clinical significance of this alteration remains unclear.

Baylor Genetics
Classification: Uncertain significance for Breast-ovarian cancer, familial, susceptibility to, 4. Last evaluated: 2023-12-12. Review status: criteria provided, single submitter. Criteria: ACMG Guidelines, 2015. Collection method: clinical testing. Allele origin: unknown.

Blueprint Genetics
Classification: Uncertain significance. Last evaluated: 2023-02-08. Review status: criteria provided, single submitter. Criteria: ACMG Guidelines, 2015. Collection method: clinical testing. Allele origin: germline.

Laboratorio de Genetica e Diagnostico Molecular, Hospital Israelita Albert Einstein
Classification: Uncertain significance for Breast-ovarian cancer, familial, susceptibility to, 4. Last evaluated: 2021-10-14. Review status: criteria provided, single submitter. Criteria: ACMG Guidelines, 2015. Collection method: clinical testing. Allele origin: germline. Affected: yes.
Comment: ACMG classification criteria: PS4 supporting, PM2 moderate, PP3 supporting

Sema4
Classification: Uncertain significance for Hereditary cancer-predisposing syndrome. Last evaluated: 2021-07-27. Review status: criteria provided, single submitter. Criteria: Sema4 Curation Guidelines. Collection method: curation. Allele origin: germline.
Comment: The RAD51D c.823C>T (p.R275W) variant has been reported in at least one individual with ovarian cancer (PMID: 26261251). It was observed in 4/251444 chromosomes in the large and broad cohorts of the Genome Aggregation Database (PMID: 32461654). The variant has been reported in ClinVar (Variation ID 245669). In silico tools suggest the impact of the variant on protein function is deleterious though these predictions have not been confirmed by functional studies. The evidence is insufficient to meet ACMG/AMP criteria for classifying the variant as benign or pathogenic. Thus, the clinical significance of this variant is currently uncertain.

Mendelics
Classification: Uncertain significance for Hereditary breast and ovarian cancer syndrome. Last evaluated: 2018-07-02. Review status: criteria provided, single submitter. Criteria: Mendelics Assertion Criteria 2017. Collection method: clinical testing. Allele origin: unknown.

Literature cited by the submitters: PubMed 26261251 (cited by 5 submitters); PubMed 35264596 (cited by 3 submitters); PubMed 35534704 (cited by 3 submitters); PubMed 39226054 (cited by Women's Health and Genetics/Laboratory Corporation of America, LabCorp); PubMed 40209283 (cited by Women's Health and Genetics/Laboratory Corporation of America, LabCorp).

NM_002878.4(RAD51D):c.823C>T (p.Arg275Trp)

Genes: RAD51D (RAD51 paralog D; minus strand), RAD51L3-RFFL (RAD51L3-RFFL readthrough; minus strand). Cytogenetic location: 17q12.
Variant type: single nucleotide variant.
Coding change: c.823C>T on transcript NM_002878.4 (MANE Select); coding-DNA position 823, C replaced by T.
Protein change: p.Arg275Trp; replaces arginine 275 with tryptophan.
Molecular consequence: missense variant. On other transcripts: non-coding transcript variant (3).
Genome position (GRCh38, 1-based): chr17:35,101,281, G>A on the plus strand (C>T on the coding strand, the complement: RAD51D is on the minus strand). VCF-style: chr17-35101281-G-A. GRCh37 (hg19) VCF-style: chr17-33428300-G-A.
Other names: c.883C>T, p.Arg295Trp (NM_001142571.2); c.487C>T, p.Arg163Trp (NM_133629.3); short protein forms R275W, R163W, R295W.
Identifiers: ClinVar variation 245669 (VCV000245669.36), dbSNP rs752780416, ClinGen allele CA8499337.